The following is an entry in ClinVar:

ClinVar aggregate classification (germline): Conflicting classifications of pathogenicity. Review status: criteria provided, conflicting classifications (1 of 4 stars). 5 submissions from 4 submitters: Uncertain significance (2); Benign (2); Likely benign (1). Last evaluated 2025-11-17.

Conditions:
Retinal dystrophy. Also called: Inherited retinal dystrophy. Identifiers: Orphanet 71862, MedGen C0854723, MeSH D058499, MONDO:0019118, HP:0000556.
Retinitis pigmentosa (RP). Identifiers: Orphanet 791, MedGen C0035334, MeSH D012174, MONDO:0019200, OMIM 268000. Inheritance: Autosomal dominant, autosomal recessive and X linked inheritance.
Cone-rod dystrophy 10 (CORD10). Identifiers: Orphanet 1872, MedGen C1846529, MONDO:0012464, OMIM 610283.

Allele frequency attached by ClinVar (database versions not stated): 1000 Genomes Project 30x 0.00062; gnomAD 0.00005 and 0.00009; gnomAD exomes 0.00005 and 0.00008; ExAC 0.00008; TOPMed 0.00011; 1000 Genomes Project 0.00060.
gnomAD v4.1: 93 of 1,613,332 alleles (0.0058%); highest among the groups gnomAD compares: East Asian, 0.19%; 1 homozygote.

Submissions (5):

Labcorp Genetics (formerly Invitae), Labcorp
Classification: Uncertain significance. Last evaluated: 2025-11-17. Review status: criteria provided, single submitter. Criteria: Invitae Variant Classification Sherloc (09022015). Collection method: clinical testing. Allele origin: germline.
Comment: This sequence change replaces serine, which is neutral and polar, with asparagine, which is neutral and polar, at codon 549 of the SEMA4A protein (p.Ser549Asn). This variant is present in population databases (rs199696322, gnomAD 0.1%), and has an allele count higher than expected for a pathogenic variant. This variant has not been reported in the literature in individuals affected with SEMA4A-related conditions. ClinVar contains an entry for this variant (Variation ID: 874568). Invitae Evidence Modeling of protein sequence and biophysical properties (such as structural, functional, and spatial information, amino acid conservation, physicochemical variation, residue mobility, and thermodynamic stability) indicates that this missense variant is not expected to disrupt SEMA4A protein function with a negative predictive value of 80%. In summary, the available evidence is currently insufficient to determine the role of this variant in disease. Therefore, it has been classified as a Variant of Uncertain Significance.

Blueprint Genetics
Classification: Benign. Last evaluated: 2024-06-13. Review status: criteria provided, single submitter. Criteria: ACMG Guidelines, 2015. Collection method: clinical testing. Allele origin: germline.

Dept Of Ophthalmology, Nagoya University
Classification: Benign for Retinal dystrophy. Last evaluated: 2023-10-01. Review status: criteria provided, single submitter. Criteria: Submitter's publication. Collection method: research. Allele origin: germline. Affected: yes.

Illumina Laboratory Services, Illumina
Classification: Likely benign for Retinitis pigmentosa. Last evaluated: 2018-01-13. Review status: criteria provided, single submitter. Criteria: ICSL Variant Classification Criteria 13 December 2019. Collection method: clinical testing. Allele origin: germline.
Comment: This variant was observed in the ICSL laboratory as part of a predisposition screen in an ostensibly healthy population. It had not been previously curated by ICSL or reported in the Human Gene Mutation Database (HGMD: prior to June 1st, 2018), and was therefore a candidate for classification through an automated scoring system. Utilizing variant allele frequency, disease prevalence and penetrance estimates, and inheritance mode, an automated score was calculated to assess if this variant is too frequent to cause the disease. Based on the score and internal cut-off values, a variant classified as likely benign is not then subjected to further curation. The score for this variant resulted in a classification of likely benign for this disease.

Illumina Laboratory Services, Illumina
Classification: Uncertain significance for Cone-rod dystrophy 10. Last evaluated: 2018-01-13. Review status: criteria provided, single submitter. Criteria: ICSL Variant Classification Criteria 13 December 2019. Collection method: clinical testing. Allele origin: germline.

NM_022367.4(SEMA4A):c.1646G>A (p.Ser549Asn)

Gene: SEMA4A (semaphorin 4A; plus strand). Cytogenetic location: 1q22.
Variant type: single nucleotide variant.
Coding change: c.1646G>A on transcript NM_022367.4 (MANE Select); coding-DNA position 1646, G replaced by A.
Protein change: p.Ser549Asn; replaces serine 549 with asparagine.
Molecular consequence: missense variant.
Genome position (GRCh38, 1-based): chr1:156,175,609, G>A. VCF-style: chr1-156175609-G-A. GRCh37 (hg19) VCF-style: chr1-156145400-G-A.
Other names: c.1646G>A, p.Ser549Asn (NM_001193300.2, NM_001193301.2, NM_001370567.1); c.1250G>A, p.Ser417Asn (NM_001193302.2); c.1349G>A, p.Ser450Asn (NM_001370568.1); c.1139G>A, p.Ser380Asn (NM_001370569.1, NM_001370571.1); short protein forms S380N, S417N, S549N, S450N.
Identifiers: ClinVar variation 874568 (VCV000874568.12), dbSNP rs199696322, ClinGen allele CA1155423.